The following is an entry in ClinVar:

ClinVar aggregate classification (germline): Uncertain significance (1 of 4 stars; one submission).

Conditions:
Congenital myasthenic syndrome 12 (CMS12). Also called: MYASTHENIC SYNDROME, CONGENITAL, WITH TUBULAR AGGREGATES 1; Myasthenia, congenital, 12, with tubular aggregates. Identifiers: Orphanet 353327, Orphanet 590, MedGen C3552335, MONDO:0012518, OMIM 610542.

Submission:

Labcorp Genetics (formerly Invitae), Labcorp
Classification: Uncertain significance for Congenital myasthenic syndrome 12. Last evaluated: 2022-12-30. Review status: criteria provided, single submitter. Criteria: Invitae Variant Classification Sherloc (09022015). Collection method: clinical testing. Allele origin: germline.
Comment: This sequence change replaces glycine, which is neutral and non-polar, with serine, which is neutral and polar, at codon 183 of the GFPT1 protein (p.Gly183Ser). In summary, the available evidence is currently insufficient to determine the role of this variant in disease. Therefore, it has been classified as a Variant of Uncertain Significance. Algorithms developed to predict the effect of sequence changes on RNA splicing suggest that this variant may disrupt the consensus splice site. Advanced modeling of protein sequence and biophysical properties (such as structural, functional, and spatial information, amino acid conservation, physicochemical variation, residue mobility, and thermodynamic stability) performed at Invitae indicates that this missense variant is expected to disrupt GFPT1 protein function. This variant has not been reported in the literature in individuals affected with GFPT1-related conditions. This variant is not present in population databases (gnomAD no frequency).

NM_001244710.2(GFPT1):c.547G>A (p.Gly183Ser)

Gene: GFPT1 (glutamine--fructose-6-phosphate transaminase 1; minus strand). Cytogenetic location: 2p13.3.
Variant type: single nucleotide variant.
Coding change: c.547G>A on transcript NM_001244710.2 (MANE Select); coding-DNA position 547, G replaced by A.
Protein change: p.Gly183Ser; replaces glycine 183 with serine.
Molecular consequence: missense variant.
Genome position (GRCh38, 1-based): chr2:69,356,554, C>T on the plus strand (G>A on the coding strand, the complement: GFPT1 is on the minus strand). VCF-style: chr2-69356554-C-T. GRCh37 (hg19) VCF-style: chr2-69583686-C-T.
Other names: c.547G>A, p.Gly183Ser (NM_002056.4); short protein forms G183S.
Identifiers: ClinVar variation 2793243 (VCV002793243.3), dbSNP rs2466106463, ClinGen allele CA347131032.